The following is an entry in ClinVar:

NM_004104.5(FASN):c.3648C>T (p.Ser1216=)

Gene: FASN (fatty acid synthase; minus strand). Cytogenetic location: 17q25.3.
Variant type: single nucleotide variant.
Coding change: c.3648C>T on transcript NM_004104.5 (MANE Select); coding-DNA position 3648, C replaced by T.
Protein change: p.Ser1216=; no amino-acid change (serine 1216 retained).
Molecular consequence: synonymous variant.
Genome position (GRCh38, 1-based): chr17:82,086,338, G>A on the plus strand (C>T on the coding strand, the complement: FASN is on the minus strand). VCF-style: chr17-82086338-G-A. GRCh37 (hg19) VCF-style: chr17-80044214-G-A.
Other names: c.3648C>T (NM_004104.4).
Identifiers: ClinVar variation 1588912 (VCV001588912.10), dbSNP rs530379505, ClinGen allele CA8852316.
Genomic context (GRCh38, chr17:82,086,338, plus strand): 5'-GGGCATGTTCTCCACGGCAGTGTCCAGGCAGGCCTTGAGTGCCGGGGAGTCCAGGAGGCC[G>A]CTGAGCAGAGGGTCCTCTGGCAGCTTGGGCCTCTCCTGGGCCAGCACCTGCGCCAGCTCC-3'
Protein context (NP_004095.4, residues 1206-1226): RPKLPEDPLL[Ser1216=]GLLDSPALKA

ClinVar aggregate classification (germline): Likely benign. Review status: criteria provided, single submitter (1 of 4 stars). 2 submissions from 2 submitters: Likely benign (1). 1 of the submissions does not count toward it. Last evaluated 2025-08-31.

Conditions:
FASN-related disorder. Also called: FASN-related condition.
Epileptic encephalopathy. Identifiers: MedGen C0543888, HP:0200134.

Allele frequency attached by ClinVar (database versions not stated): ExAC 0.00005; gnomAD 0.00009 and 0.00010; TOPMed 0.00010; gnomAD exomes 0.00011.
gnomAD v4.1: 118 of 1,606,210 alleles (0.0073%); highest among the groups gnomAD compares: East Asian, 0.025%; no homozygotes.

Submissions (2):

Labcorp Genetics (formerly Invitae), Labcorp
Classification: Likely benign for Epileptic encephalopathy. Last evaluated: 2025-08-31. Review status: criteria provided, single submitter. Criteria: Invitae Variant Classification Sherloc (09022015). Collection method: clinical testing. Allele origin: germline.

PreventionGenetics, part of Exact Sciences
Classification: Likely benign for FASN-related condition. Last evaluated: 2019-02-20. Review status: no assertion criteria provided. Collection method: clinical testing. Allele origin: germline. Not counted in ClinVar's aggregate classification.
Comment: This variant is classified as likely benign based on ACMG/AMP sequence variant interpretation guidelines (Richards et al. 2015 PMID: 25741868, with internal and published modifications).